The following is an entry in ClinVar:

NM_032782.5(HAVCR2):c.623G>C (p.Gly208Ala)

Gene: HAVCR2 (hepatitis A virus cellular receptor 2; minus strand). Cytogenetic location: 5q33.3.
Variant type: single nucleotide variant.
Coding change: c.623G>C on transcript NM_032782.5 (MANE Select); coding-DNA position 623, G replaced by C.
Protein change: p.Gly208Ala; replaces glycine 208 with alanine.
Molecular consequence: missense variant.
Genome position (GRCh38, 1-based): chr5:157,095,359, C>G on the plus strand (G>C on the coding strand, the complement: HAVCR2 is on the minus strand). VCF-style: chr5-157095359-C-G. GRCh37 (hg19) VCF-style: chr5-156522370-C-G.
Other names: short protein forms G208A.
Identifiers: ClinVar variation 3053827 (VCV003053827.2), dbSNP rs140201248, ClinGen allele CA3531839.

ClinVar aggregate classification (germline): Likely benign (0 of 4 stars; one submission).

Conditions:
HAVCR2-related disorder. Also called: HAVCR2-related condition.

Allele frequency attached by ClinVar (database versions not stated): ExAC 0.00024; 1000 Genomes Project 30x 0.00078; 1000 Genomes Project 0.00080; TOPMed 0.00110; ESP Exome Variant Server 0.00123.
gnomAD v4.1: 329 of 1,614,062 alleles (0.02%); highest among the groups gnomAD compares: African/African-American, 0.4%; 2 homozygotes.

Submission:

PreventionGenetics, part of Exact Sciences
Classification: Likely benign for HAVCR2-related condition. Last evaluated: 2023-07-30. Review status: no assertion criteria provided. Collection method: clinical testing. Allele origin: germline.
Comment: This variant is classified as likely benign based on ACMG/AMP sequence variant interpretation guidelines (Richards et al. 2015 PMID: 25741868, with internal and published modifications).